The following is an entry in ClinVar:

ClinVar aggregate classification (germline): Uncertain significance. Review status: criteria provided, multiple submitters, no conflicts (2 of 4 stars). 2 submissions from 2 submitters: Uncertain significance (2). Last evaluated 2024-10-01.

Allele frequency attached by ClinVar (database versions not stated): ExAC 0.00002; gnomAD exomes 0.00002 and 0.00007; TOPMed 0.00006; gnomAD 0.00007 and 0.00008.

Submissions (2):

Ambry Genetics
Classification: Uncertain significance. Last evaluated: 2024-10-01. Review status: criteria provided, single submitter. Criteria: Ambry Variant Classification Scheme 2023. Collection method: clinical testing. Allele origin: germline.

Labcorp Genetics (formerly Invitae), Labcorp
Classification: Uncertain significance. Last evaluated: 2023-03-26. Review status: criteria provided, single submitter. Criteria: Invitae Variant Classification Sherloc (09022015). Collection method: clinical testing. Allele origin: germline.
Comment: In summary, the available evidence is currently insufficient to determine the role of this variant in disease. Therefore, it has been classified as a Variant of Uncertain Significance. Advanced modeling of protein sequence and biophysical properties (such as structural, functional, and spatial information, amino acid conservation, physicochemical variation, residue mobility, and thermodynamic stability) performed at Invitae indicates that this missense variant is not expected to disrupt MMP9 protein function. ClinVar contains an entry for this variant (Variation ID: 1428148). This variant has not been reported in the literature in individuals affected with MMP9-related conditions. This variant is present in population databases (rs146895638, gnomAD 0.007%). This sequence change replaces proline, which is neutral and non-polar, with histidine, which is basic and polar, at codon 429 of the MMP9 protein (p.Pro429His).

NM_004994.3(MMP9):c.1286C>A (p.Pro429His)

Gene: MMP9 (matrix metallopeptidase 9; plus strand). Cytogenetic location: 20q13.12.
Variant type: single nucleotide variant.
Coding change: c.1286C>A on transcript NM_004994.3 (MANE Select); coding-DNA position 1286, C replaced by A.
Protein change: p.Pro429His; replaces proline 429 with histidine.
Molecular consequence: missense variant.
Genome position (GRCh38, 1-based): chr20:46,012,538, C>A. VCF-style: chr20-46012538-C-A. GRCh37 (hg19) VCF-style: chr20-44641177-C-A.
Other names: c.1286C>A (NM_004994.2); short protein forms P429H.
Identifiers: ClinVar variation 1428148 (VCV001428148.9), dbSNP rs146895638, ClinGen allele CA9886692.
Genomic context (GRCh38, chr20:46,012,538, plus strand): 5'-TAGATCATTCCTCAGTGCCGGAGGCGCTCATGTACCCTATGTACCGCTTCACTGAGGGGC[C>A]CCCCTTGCATAAGGACGACGTGAATGGCATCCGGCACCTCTATGGTGAGGCAGGGGCAGG-3'
Protein context (NP_004985.2, residues 419-439): MYPMYRFTEG[Pro429His]PLHKDDVNGI